The following is an entry in ClinVar:

NM_020754.4(ARHGAP31):c.1816C>T (p.Pro606Ser)

Gene: ARHGAP31 (Rho GTPase activating protein 31; plus strand). Cytogenetic location: 3q13.33.
Variant type: single nucleotide variant.
Coding change: c.1816C>T on transcript NM_020754.4 (MANE Select); coding-DNA position 1816, C replaced by T.
Protein change: p.Pro606Ser; replaces proline 606 with serine.
Molecular consequence: missense variant.
Genome position (GRCh38, 1-based): chr3:119,409,666, C>T. VCF-style: chr3-119409666-C-T. GRCh37 (hg19) VCF-style: chr3-119128513-C-T.
Other names: short protein forms P606S.
Identifiers: ClinVar variation 3686339 (VCV003686339.2).

ClinVar aggregate classification (germline): Uncertain significance (1 of 4 stars; one submission).

gnomAD v4.1: 2 of 1,611,774 alleles (0.00012%); highest among the groups gnomAD compares: Non-Finnish European, 0.00017%; no homozygotes.

Submission:

Labcorp Genetics (formerly Invitae), Labcorp
Classification: Uncertain significance. Last evaluated: 2024-05-23. Review status: criteria provided, single submitter. Criteria: Invitae Variant Classification Sherloc (09022015). Collection method: clinical testing. Allele origin: germline.
Comment: This sequence change replaces proline, which is neutral and non-polar, with serine, which is neutral and polar, at codon 606 of the ARHGAP31 protein (p.Pro606Ser). This variant is not present in population databases (gnomAD no frequency). This variant has not been reported in the literature in individuals affected with ARHGAP31-related conditions. An algorithm developed to predict the effect of missense changes on protein structure and function (PolyPhen-2) suggests that this variant is likely to be tolerated. In summary, the available evidence is currently insufficient to determine the role of this variant in disease. Therefore, it has been classified as a Variant of Uncertain Significance.